The following is an entry in ClinVar:

NM_004656.4(BAP1):c.1619G>A (p.Arg540His)

Gene: BAP1 (BRCA1 associated deubiquitinase 1; minus strand). Cytogenetic location: 3p21.1.
Variant type: single nucleotide variant.
Coding change: c.1619G>A on transcript NM_004656.4 (MANE Select); coding-DNA position 1619, G replaced by A.
Protein change: p.Arg540His; replaces arginine 540 with histidine.
Molecular consequence: missense variant.
Genome position (GRCh38, 1-based): chr3:52,403,526, C>T on the plus strand (G>A on the coding strand, the complement: BAP1 is on the minus strand). VCF-style: chr3-52403526-C-T. GRCh37 (hg19) VCF-style: chr3-52437542-C-T.
Other names: short protein forms R540H.
Identifiers: ClinVar variation 575932 (VCV000575932.18), dbSNP rs772037576, ClinGen allele CA2436769.

ClinVar aggregate classification (germline): Uncertain significance. Review status: criteria provided, multiple submitters, no conflicts (2 of 4 stars). 4 submissions from 4 submitters: Uncertain significance (4). Last evaluated 2025-11-22.

Conditions:
BAP1-related tumor predisposition syndrome (TPDS1). Also called: Tumor susceptibility linked to germline BAP1 mutations; BAP1 tumor predisposition syndrome; COMMON Syndrome; TUMOR PREDISPOSITION SYNDROME 1. Identifiers: Orphanet 289539, MedGen C3280492, MONDO:0013692, OMIM 614327.
Hereditary cancer-predisposing syndrome. Also called: Tumor predisposition; Hereditary neoplastic syndrome; Hereditary Cancer Syndrome; Neoplastic Syndromes, Hereditary. Identifiers: Orphanet 140162, MedGen C0027672, MeSH D009386, MONDO:0015356.

Allele frequency attached by ClinVar (database versions not stated): ExAC 0.00001; gnomAD 0.00001; gnomAD exomes 0.00001; TOPMed 0.00001.
gnomAD v4.1: 18 of 1,613,944 alleles (0.0011%); highest among the groups gnomAD compares: South Asian, 0.0022%; no homozygotes.

Submissions (4):

Labcorp Genetics (formerly Invitae), Labcorp
Classification: Uncertain significance for BAP1-related tumor predisposition syndrome. Last evaluated: 2025-11-22. Review status: criteria provided, single submitter. Criteria: Invitae Variant Classification Sherloc (09022015). Collection method: clinical testing. Allele origin: germline.
Comment: This sequence change replaces arginine, which is basic and polar, with histidine, which is basic and polar, at codon 540 of the BAP1 protein (p.Arg540His). This variant is present in population databases (rs772037576, gnomAD 0.006%). This variant has not been reported in the literature in individuals affected with BAP1-related conditions. ClinVar contains an entry for this variant (Variation ID: 575932). Invitae Evidence Modeling of protein sequence and biophysical properties (such as structural, functional, and spatial information, amino acid conservation, physicochemical variation, residue mobility, and thermodynamic stability) indicates that this missense variant is not expected to disrupt BAP1 protein function with a negative predictive value of 80%. In summary, the available evidence is currently insufficient to determine the role of this variant in disease. Therefore, it has been classified as a Variant of Uncertain Significance.

Ambry Genetics
Classification: Uncertain significance for Hereditary cancer-predisposing syndrome. Last evaluated: 2024-08-12. Review status: criteria provided, single submitter. Criteria: Ambry Variant Classification Scheme 2023. Collection method: clinical testing. Allele origin: germline.
Comment: The p.R540H variant (also known as c.1619G>A), located in coding exon 13 of the BAP1 gene, results from a G to A substitution at nucleotide position 1619. The arginine at codon 540 is replaced by histidine, an amino acid with highly similar properties. This amino acid position is highly conserved in available vertebrate species. In addition, the in silico prediction for this alteration is inconclusive. Since supporting evidence is limited at this time, the clinical significance of this alteration remains unclear.

Color Diagnostics, LLC DBA Color Health
Classification: Uncertain significance for Hereditary cancer-predisposing syndrome. Last evaluated: 2024-03-06. Review status: criteria provided, single submitter. Criteria: ACMG Guidelines, 2015. Collection method: clinical testing. Allele origin: germline.
Comment: This missense variant replaces arginine with histidine at codon 540 of the BAP1 protein. Computational prediction suggests that this variant may not impact protein structure and function (internally defined REVEL score threshold <= 0.5, PMID: 27666373). Splice site prediction tools suggest that this variant may not impact RNA splicing. To our knowledge, functional studies have not been reported for this variant. This variant has not been reported in individuals affected with hereditary cancer in the literature. This variant has been identified in 3/251180 chromosomes in the general population by the Genome Aggregation Database (gnomAD). The available evidence is insufficient to determine the role of this variant in disease conclusively. Therefore, this variant is classified as a Variant of Uncertain Significance.

Fulgent Genetics
Classification: Uncertain significance for BAP1-related tumor predisposition syndrome. Last evaluated: 2018-10-31. Review status: criteria provided, single submitter. Criteria: ACMG Guidelines, 2015. Collection method: clinical testing. Allele origin: unknown.